The following is an entry in ClinVar:

NM_000268.3(NF2):c.-575A>C

Genes: NF2 (NF2, moesin-ezrin-radixin like (MERLIN) tumor suppressor; plus strand), LOC130067184 (ATAC-STARR-seq lymphoblastoid silent region 13595; plus strand). Cytogenetic location: 22q12.2.
Variant type: single nucleotide variant.
Coding change: c.-575A>C on transcript NM_000268.3; 575 bases upstream of the start codon, A replaced by C.
Genome position (GRCh38, 1-based): chr22:29,603,424, A>C. VCF-style: chr22-29603424-A-C. GRCh37 (hg19) VCF-style: chr22-29999413-A-C.
Identifiers: ClinVar variation 674066 (VCV000674066.3), dbSNP rs140062784, ClinGen allele CA323099292.

ClinVar aggregate classification (germline): Likely benign (1 of 4 stars; one submission).

Allele frequency attached by ClinVar (database versions not stated): 1000 Genomes Project 0.00539; 1000 Genomes Project 30x 0.00547; TOPMed 0.00747.

Submission:

GeneDx
Classification: Likely benign. Last evaluated: 2018-06-19. Review status: criteria provided, single submitter. Criteria: GeneDx Variant Classification (06012015). Collection method: clinical testing. Allele origin: germline. Affected: yes.
Comment: This variant is considered likely benign or benign based on one or more of the following criteria: it is a conservative change, it occurs at a poorly conserved position in the protein, it is predicted to be benign by multiple in silico algorithms, and/or has population frequency not consistent with disease.